The following is an entry in ClinVar:

ClinVar aggregate classification (germline): Uncertain significance. Review status: criteria provided, multiple submitters, no conflicts (2 of 4 stars). 4 submissions from 4 submitters: Uncertain significance (4). Last evaluated 2025-09-26.

Conditions:
Endometrial carcinoma. Also called: Endometrial carcinoma, somatic. Identifiers: MedGen C0476089, MONDO:0002447, OMIM 608089, HP:0012114.
Hereditary cancer-predisposing syndrome. Also called: Neoplastic Syndromes, Hereditary; Tumor predisposition; Hereditary Cancer Syndrome; Hereditary neoplastic syndrome. Identifiers: Orphanet 140162, MedGen C0027672, MeSH D009386, MONDO:0015356.

Allele frequency attached by ClinVar (database versions not stated): TOPMed below 0.00001; gnomAD exomes 0.00001.
gnomAD v4.1: 17 of 1,613,330 alleles (0.0011%); highest among the groups gnomAD compares: Non-Finnish European, 0.0014%; no homozygotes.

Submissions (4):

Quest Diagnostics Nichols Institute San Juan Capistrano
Classification: Uncertain significance. Last evaluated: 2025-09-26. Review status: criteria provided, single submitter. Criteria: Quest Diagnostics criteria. Collection method: clinical testing. Allele origin: unknown.
Comment: The MSH3 c.1934T>C (p.Leu645Ser) variant has not been reported in individuals with MSH3-related conditions in the published literature. This variant has not been reported in large, multi-ethnic general populations (Genome Aggregation Database). Analysis of this variant using a bioinformatics tool for the prediction of the effect of amino acid changes on protein structure and function yielded a prediction that this variant is damaging. Based on the available information, we are unable to determine the clinical significance of this variant.

Labcorp Genetics (formerly Invitae), Labcorp
Classification: Uncertain significance. Last evaluated: 2025-01-15. Review status: criteria provided, single submitter. Criteria: Invitae Variant Classification Sherloc (09022015). Collection method: clinical testing. Allele origin: germline.
Comment: This sequence change replaces leucine, which is neutral and non-polar, with serine, which is neutral and polar, at codon 645 of the MSH3 protein (p.Leu645Ser). This variant is not present in population databases (gnomAD no frequency). This variant has not been reported in the literature in individuals affected with MSH3-related conditions. ClinVar contains an entry for this variant (Variation ID: 820374). An algorithm developed to predict the effect of missense changes on protein structure and function (PolyPhen-2) suggests that this variant is likely to be disruptive. In summary, the available evidence is currently insufficient to determine the role of this variant in disease. Therefore, it has been classified as a Variant of Uncertain Significance.

Ambry Genetics
Classification: Uncertain significance for Hereditary cancer-predisposing syndrome. Last evaluated: 2024-04-14. Review status: criteria provided, single submitter. Criteria: Ambry Variant Classification Scheme 2023. Collection method: clinical testing. Allele origin: germline.
Comment: The p.L645S variant (also known as c.1934T>C), located in coding exon 14 of the MSH3 gene, results from a T to C substitution at nucleotide position 1934. The leucine at codon 645 is replaced by serine, an amino acid with dissimilar properties. This amino acid position is highly conserved in available vertebrate species. In addition, this alteration is predicted to be deleterious by in silico analysis. Since supporting evidence is limited at this time, the clinical significance of this alteration remains unclear.

Baylor Genetics
Classification: Uncertain significance for Endometrial carcinoma. Last evaluated: 2023-10-18. Review status: criteria provided, single submitter. Criteria: ACMG Guidelines, 2015. Collection method: clinical testing. Allele origin: unknown.

NM_002439.5(MSH3):c.1934T>C (p.Leu645Ser)

Gene: MSH3 (mutS homolog 3; plus strand). Cytogenetic location: 5q14.1.
Variant type: single nucleotide variant.
Coding change: c.1934T>C on transcript NM_002439.5 (MANE Select); coding-DNA position 1934, T replaced by C.
Protein change: p.Leu645Ser; replaces leucine 645 with serine.
Molecular consequence: missense variant.
Genome position (GRCh38, 1-based): chr5:80,767,970, T>C. VCF-style: chr5-80767970-T-C. GRCh37 (hg19) VCF-style: chr5-80063789-T-C.
Other names: c.1934T>C (NM_002439.4); short protein forms L645S.
Identifiers: ClinVar variation 820374 (VCV000820374.13), dbSNP rs1271669410, ClinGen allele CA360277509.